The following is an entry in ClinVar:

NM_005120.3(MED12):c.1821T>A (p.Asp607Glu)

Gene: MED12 (mediator complex subunit 12; plus strand). Cytogenetic location: Xq13.1.
Variant type: single nucleotide variant.
Coding change: c.1821T>A on transcript NM_005120.3 (MANE Select); coding-DNA position 1821, T replaced by A.
Protein change: p.Asp607Glu; replaces aspartic acid 607 with glutamic acid.
Molecular consequence: missense variant.
Genome position (GRCh38, 1-based): chrX:71,124,235, T>A. VCF-style: chrX-71124235-T-A. GRCh37 (hg19) VCF-style: chrX-70344085-T-A.
Other names: c.1821T>A (NM_005120.2); short protein forms D607E.
Identifiers: ClinVar variation 1007771 (VCV001007771.10), dbSNP rs375897167, ClinGen allele CA10444252.

ClinVar aggregate classification (germline): Conflicting classifications of pathogenicity. Review status: criteria provided, conflicting classifications (1 of 4 stars). 2 submissions from 2 submitters: Uncertain significance (1); Likely benign (1). Last evaluated 2026-08-11.

Conditions:
FG syndrome (FGS). Identifiers: MedGen C0220769, MONDO:0002010.
Familial thoracic aortic aneurysm and aortic dissection (TAAD). Also called: Thoracic aortic aneurysms and dissections. Identifiers: Orphanet 91387, MedGen C4707243, MONDO:0019625.

Allele frequency attached by ClinVar (database versions not stated): ExAC 0.00001; ESP Exome Variant Server 0.00010; gnomAD exomes 0.00009.
gnomAD v4.1: 95 of 1,211,453 alleles (0.0078%); highest among the groups gnomAD compares: Non-Finnish European, 0.011%; no homozygotes.

Submissions (2):

Ambry Genetics
Classification: Likely benign for Familial thoracic aortic aneurysm and aortic dissection. Last evaluated: 2026-08-11. Review status: criteria provided, single submitter. Criteria: Ambry Variant Classification Scheme 2023. Collection method: clinical testing. Allele origin: germline.

Labcorp Genetics (formerly Invitae), Labcorp
Classification: Uncertain significance for FG syndrome. Last evaluated: 2025-09-24. Review status: criteria provided, single submitter. Criteria: Invitae Variant Classification Sherloc (09022015). Collection method: clinical testing. Allele origin: germline.
Comment: This sequence change replaces aspartic acid, which is acidic and polar, with glutamic acid, which is acidic and polar, at codon 607 of the MED12 protein (p.Asp607Glu). This variant is not present in population databases (gnomAD no frequency). This variant has not been reported in the literature in individuals affected with MED12-related conditions. ClinVar contains an entry for this variant (Variation ID: 1007771). Invitae Evidence Modeling of protein sequence and biophysical properties (such as structural, functional, and spatial information, amino acid conservation, physicochemical variation, residue mobility, and thermodynamic stability) indicates that this missense variant is not expected to disrupt MED12 protein function with a negative predictive value of 95%. In summary, the available evidence is currently insufficient to determine the role of this variant in disease. Therefore, it has been classified as a Variant of Uncertain Significance.